The following is an entry in ClinVar:

ClinVar aggregate classification (germline): Uncertain significance (1 of 4 stars; one submission).

Conditions:
Inborn genetic diseases. Identifiers: MedGen C0950123, MeSH D030342.

gnomAD v4.1: 1 of 1,612,000 alleles (0.000062%); no homozygotes.

Submission:

Ambry Genetics
Classification: Uncertain significance for Inborn genetic diseases. Last evaluated: 2025-07-02. Review status: criteria provided, single submitter. Criteria: Ambry Variant Classification Scheme 2023. Collection method: clinical testing. Allele origin: germline.
Comment: The p.A94D variant (also known as c.281C>A), located in coding exon 2 of the RTEL1 gene, results from a C to A substitution at nucleotide position 281. The alanine at codon 94 is replaced by aspartic acid, an amino acid with dissimilar properties. This amino acid position is conserved. In addition, this alteration is predicted to be tolerated by in silico analysis. Based on the available evidence, the clinical significance of this variant remains unclear.

NM_001283009.2(RTEL1):c.281C>A (p.Ala94Asp)

Genes: RTEL1 (regulator of telomere elongation helicase 1; plus strand), RTEL1-TNFRSF6B (RTEL1-TNFRSF6B readthrough (NMD candidate); plus strand). Cytogenetic location: 20q13.33.
Variant type: single nucleotide variant.
Coding change: c.281C>A on transcript NM_001283009.2 (MANE Select); coding-DNA position 281, C replaced by A.
Protein change: p.Ala94Asp; replaces alanine 94 with aspartic acid.
Molecular consequence: missense variant. On other transcripts: non-coding transcript variant (1), 5 prime UTR variant (1).
Genome position (GRCh38, 1-based): chr20:63,661,476, C>A. VCF-style: chr20-63661476-C-A. GRCh37 (hg19) VCF-style: chr20-62292829-C-A.
Other names: c.-389C>A (NM_001283010.1); c.281C>A, p.Ala94Asp (NM_016434.4, NM_032957.5); short protein forms A94D.
Identifiers: ClinVar variation 4157584 (VCV004157584.1).
Genomic context (GRCh38, chr20:63,661,476, plus strand): 5'-AGAGGGCGCAAGGAGAGCTTTTCCCGGATCGGGCCTTGTCATCCTGGGGCAACGCTGCTG[C>A]TGCTGCTGGAGACCCCATAGGTGACCCTAGTTCCCAGGCCTCTCCTGGCCTCCTGTGGGG-3'
Protein context (NP_001269938.1, residues 84-104): RALSSWGNAA[Ala94Asp]AAGDPIACYT